The following is an entry in ClinVar:

ClinVar aggregate classification (germline): Uncertain significance. Review status: criteria provided, multiple submitters, no conflicts (2 of 4 stars). 2 submissions from 2 submitters: Uncertain significance (2). Last evaluated 2024-08-19.

Conditions:
Primary ciliary dyskinesia. Also called: Ciliary dyskinesia. Identifiers: Orphanet 244, MedGen C0008780, MONDO:0016575, HP:0012265.

Allele frequency attached by ClinVar (database versions not stated): gnomAD 0.00003; ESP Exome Variant Server 0.00008.
gnomAD v4.1: 47 of 1,614,050 alleles (0.0029%); highest among the groups gnomAD compares: Admixed American, 0.0033%; no homozygotes.

Submissions (2):

Ambry Genetics
Classification: Uncertain significance for Primary ciliary dyskinesia. Last evaluated: 2024-08-19. Review status: criteria provided, single submitter. Criteria: Ambry Variant Classification Scheme 2023. Collection method: clinical testing. Allele origin: germline.

Labcorp Genetics (formerly Invitae), Labcorp
Classification: Uncertain significance for Primary ciliary dyskinesia. Last evaluated: 2022-05-20. Review status: criteria provided, single submitter. Criteria: Invitae Variant Classification Sherloc (09022015). Collection method: clinical testing. Allele origin: germline.
Comment: This sequence change replaces valine, which is neutral and non-polar, with leucine, which is neutral and non-polar, at codon 3326 of the DNAH5 protein (p.Val3326Leu). The frequency data for this variant in the population databases is considered unreliable, as metrics indicate poor data quality at this position in the gnomAD database. This variant has not been reported in the literature in individuals affected with DNAH5-related conditions. Algorithms developed to predict the effect of missense changes on protein structure and function are either unavailable or do not agree on the potential impact of this missense change (SIFT: "Deleterious"; PolyPhen-2: "Benign"; Align-GVGD: "Class C0"). In summary, the available evidence is currently insufficient to determine the role of this variant in disease. Therefore, it has been classified as a Variant of Uncertain Significance.

NM_001369.3(DNAH5):c.9976G>T (p.Val3326Leu)

Gene: DNAH5 (dynein axonemal heavy chain 5; minus strand). Cytogenetic location: 5p15.2.
Variant type: single nucleotide variant.
Coding change: c.9976G>T on transcript NM_001369.3 (MANE Select); coding-DNA position 9976, G replaced by T.
Protein change: p.Val3326Leu; replaces valine 3326 with leucine.
Molecular consequence: missense variant.
Genome position (GRCh38, 1-based): chr5:13,766,101, C>A on the plus strand (G>T on the coding strand, the complement: DNAH5 is on the minus strand). VCF-style: chr5-13766101-C-A. GRCh37 (hg19) VCF-style: chr5-13766210-C-A.
Other names: c.9976G>T (NM_001369.2); short protein forms V3326L.
Identifiers: ClinVar variation 2414386 (VCV002414386.12), dbSNP rs149452082, ClinGen allele CA3202362.